The following is an entry in ClinVar:

NM_022168.4(IFIH1):c.1653_1665del (p.Glu552fs)

Gene: IFIH1 (interferon induced with helicase C domain 1; minus strand). Cytogenetic location: 2q24.2.
Variant type: Deletion.
Coding change: c.1653_1665del on transcript NM_022168.4 (MANE Select); coding-DNA positions 1653 to 1665, 13 bases deleted (AGAGAAACTTCTA).
Protein change: p.Glu552fs; shifts the reading frame from glutamic acid 552.
Molecular consequence: frameshift variant.
Genome position (GRCh38, 1-based): chr2:162,278,305-162,278,317, TAGAAGTTTCTCT deleted on the plus strand (AGAGAAACTTCTA on the coding strand, the reverse complement: IFIH1 is on the minus strand); deleting any 13 consecutive bases within chr2:162,278,305-162,278,318 gives the same sequence; the c. name uses the placement nearest the transcript's 3' end. VCF-style (leftmost placement, unchanged base first): chr2-162278304-CTAGAAGTTTCTCT-C. GRCh37 (hg19) VCF-style: chr2-163134814-CTAGAAGTTTCTCT-C.
Other names: short protein forms E552fs.
Identifiers: ClinVar variation 2102941 (VCV002102941.4), dbSNP rs2468960734, ClinGen allele CA2580064219.
Genomic context (GRCh38, chr2:162,278,304, plus strand): 5'-GAGTTCCAAAATCTGACATTGGACTCATTTGACAATAAGTTTGAATCCTTGTCATTATTT[CTAGAAGTTTCTCT>C]TTAAATGGATCCTAAAAATAAAGTACACACTTATTCTTATGTATTCTTATTGTTAAAGGA-3'

ClinVar aggregate classification (germline): Uncertain significance (1 of 4 stars; one submission).

Conditions:
Singleton-Merten syndrome 1 (SGMRT1). Also called: Widened medullary cavities of bone, aortic calcification, abnormal dentition, and muscular weakness; Syndrome of widened medullary cavities of the metacarpals and phalanges, aortic calcification and abnormal dentition. Identifiers: Orphanet 85191, MedGen C4225427, MONDO:0024535, OMIM 182250.
Aicardi-Goutieres syndrome 7 (AGS7). Identifiers: Orphanet 51, MedGen C3888244, MONDO:0014367, OMIM 615846.

Submission:

Labcorp Genetics (formerly Invitae), Labcorp
Classification: Uncertain significance for Aicardi-Goutieres syndrome 7; Singleton-Merten syndrome 1. Last evaluated: 2022-06-08. Review status: criteria provided, single submitter. Criteria: Invitae Variant Classification Sherloc (09022015). Collection method: clinical testing. Allele origin: germline.
Comment: This sequence change creates a premature translational stop signal (p.Glu552Lysfs*2) in the IFIH1 gene. It is expected to result in an absent or disrupted protein product. However, the current clinical and genetic evidence is not sufficient to establish whether loss-of-function variants in IFIH1 cause disease. This variant is not present in population databases (gnomAD no frequency). In summary, the available evidence is currently insufficient to determine the role of this variant in disease. Therefore, it has been classified as a Variant of Uncertain Significance. Experimental studies and prediction algorithms are not available or were not evaluated, and the functional significance of this variant is currently unknown. This variant has not been reported in the literature in individuals affected with IFIH1-related conditions.